The following is an entry in ClinVar:

ClinVar aggregate classification (germline): Uncertain significance. Review status: criteria provided, multiple submitters, no conflicts (2 of 4 stars). 2 submissions from 2 submitters: Uncertain significance (2). Last evaluated 2021-06-02.

Conditions:
Arrhythmogenic right ventricular dysplasia 12. Also called: ARRHYTHMOGENIC RIGHT VENTRICULAR DYSPLASIA, FAMILIAL, 12. Identifiers: MedGen C1969081, MONDO:0012684, OMIM 611528.
Naxos disease (NXD). Also called: PALMOPLANTAR KERATODERMA WITH ARRHYTHMOGENIC RIGHT VENTRICULAR CARDIOMYOPATHY AND WOOLLY HAIR; WOOLLY HAIR, PALMOPLANTAR KERATODERMA, AND CARDIAC ABNORMALITIES; KERATOSIS PALMOPLANTARIS WITH ARRHYTHMOGENIC CARDIOMYOPATHY; MAL DE NAXOS; CARDIOMYOPATHY, ARRHYTHMOGENIC RIGHT VENTRICULAR, WITH SKIN, HAIR, AND NAIL ABNORMALITIES. Identifiers: Orphanet 34217, MedGen C1832600, MONDO:0011017, OMIM 601214.
Cardiovascular phenotype. Identifiers: MedGen CN230736.

Submissions (2):

Labcorp Genetics (formerly Invitae), Labcorp
Classification: Uncertain significance for Arrhythmogenic right ventricular dysplasia 12; Naxos disease. Last evaluated: 2021-06-02. Review status: criteria provided, single submitter. Criteria: Invitae Variant Classification Sherloc (09022015). Collection method: clinical testing. Allele origin: germline.
Comment: In summary, the available evidence is currently insufficient to determine the role of this variant in disease. Therefore, it has been classified as a Variant of Uncertain Significance. Algorithms developed to predict the effect of missense changes on protein structure and function are either unavailable or do not agree on the potential impact of this missense change (SIFT: "Deleterious"; PolyPhen-2: "Possibly Damaging"; Align-GVGD: "Class C0"). This variant has not been reported in the literature in individuals with JUP-related conditions. This variant is not present in population databases (ExAC no frequency). This sequence change replaces alanine with serine at codon 509 of the JUP protein (p.Ala509Ser). The alanine residue is highly conserved and there is a moderate physicochemical difference between alanine and serine.

Ambry Genetics
Classification: Uncertain significance for Cardiovascular phenotype. Last evaluated: 2019-11-19. Review status: criteria provided, single submitter. Criteria: Ambry Variant Classification Scheme 2023. Collection method: clinical testing. Allele origin: germline.
Comment: The p.A509S variant (also known as c.1525G>T), located in coding exon 8 of the JUP gene, results from a G to T substitution at nucleotide position 1525. The alanine at codon 509 is replaced by serine, an amino acid with similar properties. This amino acid position is highly conserved in available vertebrate species. In addition, the in silico prediction for this alteration is inconclusive. Since supporting evidence is limited at this time, the clinical significance of this alteration remains unclear.

NM_002230.4(JUP):c.1525G>T (p.Ala509Ser)

Gene: JUP (junction plakoglobin; minus strand). Cytogenetic location: 17q21.2.
Variant type: single nucleotide variant.
Coding change: c.1525G>T on transcript NM_002230.4 (MANE Select); coding-DNA position 1525, G replaced by T.
Protein change: p.Ala509Ser; replaces alanine 509 with serine.
Molecular consequence: missense variant.
Genome position (GRCh38, 1-based): chr17:41,758,843, C>A on the plus strand (G>T on the coding strand, the complement: JUP is on the minus strand). VCF-style: chr17-41758843-C-A. GRCh37 (hg19) VCF-style: chr17-39915095-C-A.
Other names: c.1525G>T, p.Ala509Ser (NM_001352773.2, NM_001352774.2, NM_001352775.2 and 3 more transcripts); short protein forms A509S.
Identifiers: ClinVar variation 1376508 (VCV001376508.10), dbSNP rs1555599847, ClinGen allele CA399494084.